The following is an entry in ClinVar:

NM_020166.5(MCCC1):c.776A>T (p.Gln259Leu)

Gene: MCCC1 (methylcrotonyl-CoA carboxylase subunit 1; minus strand). Cytogenetic location: 3q27.1.
Variant type: single nucleotide variant.
Coding change: c.776A>T on transcript NM_020166.5 (MANE Select); coding-DNA position 776, A replaced by T.
Protein change: p.Gln259Leu; replaces glutamine 259 with leucine.
Molecular consequence: missense variant. On other transcripts: non-coding transcript variant (2).
Genome position (GRCh38, 1-based): chr3:183,057,408, T>A on the plus strand (A>T on the coding strand, the complement: MCCC1 is on the minus strand). VCF-style: chr3-183057408-T-A. GRCh37 (hg19) VCF-style: chr3-182775196-T-A.
Other names: c.425A>T, p.Gln142Leu (NM_001293273.2); c.449A>T, p.Gln150Leu (NM_001363880.1); short protein forms Q142L, Q150L, Q259L.
Identifiers: ClinVar variation 2497966 (VCV002497966.1), dbSNP rs74322500, ClinGen allele CA355327968.

ClinVar aggregate classification (germline): Uncertain significance (1 of 4 stars; one submission).

Submission:

GeneDx
Classification: Uncertain significance. Last evaluated: 2022-10-07. Review status: criteria provided, single submitter. Criteria: GeneDx Variant Classification Process June 2021. Collection method: clinical testing. Allele origin: germline. Affected: yes.
Comment: Not observed at significant frequency in large population cohorts (gnomAD); In silico analysis supports that this missense variant has a deleterious effect on protein structure/function; Has not been previously published as pathogenic or benign to our knowledge